The following is an entry in ClinVar:

ClinVar aggregate classification (germline): Conflicting classifications of pathogenicity. Review status: criteria provided, conflicting classifications (1 of 4 stars). 3 submissions from 3 submitters: Uncertain significance (1); Likely benign (2). Last evaluated 2025-11-24.

Conditions:
TRIOBP-related disorder. Also called: TRIOBP-related condition.

Allele frequency attached by ClinVar (database versions not stated): gnomAD 0.00003 and 0.00004; ExAC 0.00004; TOPMed 0.00005; gnomAD exomes 0.00006; 1000 Genomes Project 30x 0.00016; 1000 Genomes Project 0.00020.
gnomAD v4.1: 39 of 1,614,034 alleles (0.0024%); highest among the groups gnomAD compares: Admixed American, 0.02%; no homozygotes.

Submissions (3):

PreventionGenetics, part of Exact Sciences
Classification: Uncertain significance for TRIOBP-related condition. Last evaluated: 2025-11-24. Review status: criteria provided, single submitter. Criteria: ACMG Guidelines, 2015. Collection method: clinical testing. Allele origin: germline.
Comment: The TRIOBP c.477G>T variant is predicted to result in the amino acid substitution p.Arg159Ser. To our knowledge, this variant has not been reported in the literature. This variant is reported in 0.023% of alleles in individuals of Latino descent in gnomAD. At this time, the clinical significance of this variant is uncertain due to the absence of conclusive functional and genetic evidence.

GeneDx
Classification: Likely benign. Last evaluated: 2018-06-20. Review status: criteria provided, single submitter. Criteria: GeneDx Variant Classification (06012015). Collection method: clinical testing. Allele origin: germline. Affected: yes.
Comment: This variant is considered likely benign or benign based on one or more of the following criteria: it is a conservative change, it occurs at a poorly conserved position in the protein, it is predicted to be benign by multiple in silico algorithms, and/or has population frequency not consistent with disease.

Laboratory for Molecular Medicine, Mass General Brigham Personalized Medicine
Classification: Likely benign. Last evaluated: 2014-09-29. Review status: criteria provided, single submitter. Criteria: LMM Criteria. Collection method: clinical testing. Allele origin: germline. Observed: 1 variant allele.
Comment: Arg159Ser in exon 6 of TRIOBP: This variant is not expected to have clinical sig nificance because it has been identified in 2.15% (4/186) of Finnish chromosomes , 1.67% (3/192) of Columbian chromosomes, 1.56% (3/192) of Kenyan chromosomes by the 1000 Genomes Project (dbSNP rs188030007).

NM_001039141.3(TRIOBP):c.477G>T (p.Arg159Ser)

Gene: TRIOBP (TRIO and F-actin binding protein; plus strand). Cytogenetic location: 22q13.1.
Variant type: single nucleotide variant.
Coding change: c.477G>T on transcript NM_001039141.3 (MANE Select); coding-DNA position 477, G replaced by T.
Protein change: p.Arg159Ser; replaces arginine 159 with serine.
Molecular consequence: missense variant.
Genome position (GRCh38, 1-based): chr22:37,715,783, G>T. VCF-style: chr22-37715783-G-T. GRCh37 (hg19) VCF-style: chr22-38111790-G-T.
Other names: short protein forms R159S.
Identifiers: ClinVar variation 165583 (VCV000165583.6), dbSNP rs188030007, ClinGen allele CA178325.